The following is an entry in ClinVar:

ClinVar aggregate classification (germline): Conflicting classifications of pathogenicity. Review status: criteria provided, conflicting classifications (1 of 4 stars). 3 submissions from 3 submitters: Uncertain significance (1); Likely benign (1). 1 of the submissions does not count toward it. Last evaluated 2026-01-31.

Conditions:
PHKB-related disorder. Also called: PHKB-related condition.
Glycogen storage disease IXb (GSD9B). Also called: GLYCOGENOSIS OF LIVER AND MUSCLE, AUTOSOMAL RECESSIVE; GSD IXb; PHOSPHORYLASE KINASE DEFICIENCY OF LIVER AND MUSCLE, AUTOSOMAL RECESSIVE. Identifiers: Orphanet 79240, MedGen C0543514, MONDO:0009868, OMIM 261750.

Allele frequency attached by ClinVar (database versions not stated): gnomAD 0.00011 and 0.00015; TOPMed 0.00043; 1000 Genomes Project 30x 0.00094; 1000 Genomes Project 0.00100.
gnomAD v4.1: 124 of 1,606,892 alleles (0.0077%); highest among the groups gnomAD compares: East Asian, 0.27%; no homozygotes.

Submissions (3):

Labcorp Genetics (formerly Invitae), Labcorp
Classification: Likely benign for Glycogen storage disease IXb. Last evaluated: 2026-01-31. Review status: criteria provided, single submitter. Criteria: Invitae Variant Classification Sherloc (09022015). Collection method: clinical testing. Allele origin: germline.

GeneDx
Classification: Uncertain significance. Last evaluated: 2024-04-01. Review status: criteria provided, single submitter. Criteria: GeneDx Variant Classification Process June 2021. Collection method: clinical testing. Allele origin: germline. Affected: yes.
Comment: In silico analysis supports that this missense variant does not alter protein structure/function; Has not been previously published as pathogenic or benign to our knowledge

PreventionGenetics, part of Exact Sciences
Classification: Likely benign for PHKB-related condition. Last evaluated: 2023-09-29. Review status: no assertion criteria provided. Collection method: clinical testing. Allele origin: germline. Not counted in ClinVar's aggregate classification.
Comment: This variant is classified as likely benign based on ACMG/AMP sequence variant interpretation guidelines (Richards et al. 2015 PMID: 25741868, with internal and published modifications).

NM_000293.3(PHKB):c.1759A>C (p.Met587Leu)

Gene: PHKB (phosphorylase kinase regulatory subunit beta; plus strand). Cytogenetic location: 16q12.1.
Variant type: single nucleotide variant.
Coding change: c.1759A>C on transcript NM_000293.3 (MANE Select); coding-DNA position 1759, A replaced by C.
Protein change: p.Met587Leu; replaces methionine 587 with leucine.
Molecular consequence: missense variant.
Genome position (GRCh38, 1-based): chr16:47,649,166, A>C. VCF-style: chr16-47649166-A-C. GRCh37 (hg19) VCF-style: chr16-47683077-A-C.
Other names: c.1738A>C, p.Met580Leu (NM_001031835.3); c.1759A>C, p.Met587Leu (NM_001363837.1); c.1738A>C (NM_001031835.2); short protein forms M587L, M580L.
Identifiers: ClinVar variation 391812 (VCV000391812.14), dbSNP rs140636792, ClinGen allele CA8040952.